The following is an entry in ClinVar:

NM_001999.4(FBN2):c.4222+1G>C

Gene: FBN2 (fibrillin 2; minus strand). Cytogenetic location: 5q23.3.
Variant type: single nucleotide variant.
Coding change: c.4222+1G>C on transcript NM_001999.4 (MANE Select); the canonical splice donor site of the intron after coding-DNA position 4222, G replaced by C.
Molecular consequence: splice donor variant.
Genome position (GRCh38, 1-based): chr5:128,332,911, C>G on the plus strand (G>C on the coding strand, the complement: FBN2 is on the minus strand). VCF-style: chr5-128332911-C-G. GRCh37 (hg19) VCF-style: chr5-127668603-C-G.
Identifiers: ClinVar variation 4871253 (VCV004871253.1).
Genomic context (GRCh38, chr5:128,332,911, plus strand): 5'-GCAAAAAAGAGCCTTTAAAAATTTGTGCCTTAGCAAAGGATATTTACATTTGCAAACTCA[C>G]CAATACACTTGATGCCGTTTCCAATCCAGCCTTCTCTGCAGCTACACTTGAAGCTTCCTG-3'

ClinVar aggregate classification (germline): Uncertain significance (1 of 4 stars; one submission).

Conditions:
Familial thoracic aortic aneurysm and aortic dissection (TAAD). Also called: Thoracic aortic aneurysms and dissections. Identifiers: Orphanet 91387, MedGen C4707243, MONDO:0019625.

Submission:

Ambry Genetics
Classification: Uncertain significance for Familial thoracic aortic aneurysm and aortic dissection. Last evaluated: 2026-04-28. Review status: criteria provided, single submitter. Criteria: Ambry Variant Classification Scheme 2023. Collection method: clinical testing. Allele origin: germline.
Comment: The c.4222+1G>C intronic variant results from a G to C substitution one nucleotide after coding exon 32 of the FBN2 gene. This variant was reported in individual(s) with features consistent with congenital contractural arachnodactyly (Ambry internal data). This nucleotide position is highly conserved in available vertebrate species. In silico splice site analysis predicts that this alteration will weaken the native splice donor site and will result in the creation or strengthening of a novel splice donor site. Variants that disrupt the canonical splice site are expected to cause aberrant splicing, resulting in an abnormal protein or a transcript that is subject to nonsense-mediated mRNA decay. However, loss of function has not been established as a mechanism of disease. Based on the available evidence, the clinical significance of this variant remains unclear.